The following is an entry in ClinVar:

ClinVar aggregate classification (germline): Uncertain significance (1 of 4 stars; one submission).

Conditions:
Very long chain acyl-CoA dehydrogenase deficiency (ACADVLD). Also called: Very Long-Chain Acyl-Coenzyme A Dehydrogenase Deficiency; VLCAD Deficiency. Identifiers: Orphanet 26793, MedGen C3887523, MONDO:0008723, OMIM 201475.

gnomAD v4.1: 1 of 1,613,332 alleles (0.000062%); highest among the groups gnomAD compares: South Asian, 0.0011%; no homozygotes.

Submission:

Labcorp Genetics (formerly Invitae), Labcorp
Classification: Uncertain significance for Very long chain acyl-CoA dehydrogenase deficiency. Last evaluated: 2022-05-28. Review status: criteria provided, single submitter. Criteria: Invitae Variant Classification Sherloc (09022015). Collection method: clinical testing. Allele origin: germline.
Comment: Advanced modeling of protein sequence and biophysical properties (such as structural, functional, and spatial information, amino acid conservation, physicochemical variation, residue mobility, and thermodynamic stability) performed at Invitae indicates that this missense variant is expected to disrupt ACADVL protein function. In summary, the available evidence is currently insufficient to determine the role of this variant in disease. Therefore, it has been classified as a Variant of Uncertain Significance. This variant has not been reported in the literature in individuals affected with ACADVL-related conditions. This variant is not present in population databases (gnomAD no frequency). This sequence change replaces alanine, which is neutral and non-polar, with glycine, which is neutral and non-polar, at codon 346 of the ACADVL protein (p.Ala346Gly).

NM_000018.4(ACADVL):c.1037C>G (p.Ala346Gly)

Gene: ACADVL (acyl-CoA dehydrogenase very long chain; plus strand). Cytogenetic location: 17p13.1.
Variant type: single nucleotide variant.
Coding change: c.1037C>G on transcript NM_000018.4 (MANE Select); coding-DNA position 1037, C replaced by G.
Protein change: p.Ala346Gly; replaces alanine 346 with glycine.
Molecular consequence: missense variant.
Genome position (GRCh38, 1-based): chr17:7,222,825, C>G. VCF-style: chr17-7222825-C-G. GRCh37 (hg19) VCF-style: chr17-7126144-C-G.
Other names: c.971C>G, p.Ala324Gly (NM_001033859.3); c.1106C>G, p.Ala369Gly (NM_001270447.2); c.809C>G, p.Ala270Gly (NM_001270448.2); short protein forms A324G, A369G, A346G, A270G.
Identifiers: ClinVar variation 1999965 (VCV001999965.4), dbSNP rs1303150138, ClinGen allele CA397724217.